The following is an entry in ClinVar:

NM_024675.4(PALB2):c.419dup (p.Gln141fs)

Gene: PALB2 (partner and localizer of BRCA2; minus strand). Cytogenetic location: 16p12.2.
Variant type: Duplication.
Coding change: c.419dup on transcript NM_024675.4 (MANE Select); coding-DNA position 419, one base duplicated (A; older notation c.419dupA).
Protein change: p.Gln141fs; shifts the reading frame from glutamine 141.
Molecular consequence: frameshift variant.
Genome position (GRCh38, 1-based): chr16:23,636,127, T duplicated on the plus strand (A on the coding strand, the reverse complement: PALB2 is on the minus strand); the first of 4 consecutive T bases (chr16:23,636,127-23,636,130); duplicating any one gives the same sequence. VCF-style (leftmost placement, unchanged base first): chr16-23636126-C-CT. GRCh37 (hg19) VCF-style: chr16-23647447-C-CT.
Other names: c.419dup (NM_024675.3); short protein forms Q141fs.
Identifiers: ClinVar variation 824665 (VCV000824665.18), dbSNP rs1597099331, ClinGen allele CA915949137.

ClinVar aggregate classification (germline): Pathogenic. Review status: criteria provided, multiple submitters, no conflicts (2 of 4 stars). 5 submissions from 5 submitters: Pathogenic (5). Last evaluated 2025-11-03.

Conditions:
Familial cancer of breast. Also called: BREAST CANCER, FAMILIAL; Hereditary breast cancer; hereditary breast carcinoma. Identifiers: Orphanet 227535, MedGen C0346153, MONDO:0016419, OMIM 114480. Disease mechanism: loss of function.
Hereditary cancer-predisposing syndrome. Also called: Neoplastic Syndromes, Hereditary; Tumor predisposition; Hereditary neoplastic syndrome; Hereditary Cancer Syndrome. Identifiers: Orphanet 140162, MedGen C0027672, MeSH D009386, MONDO:0015356.

Submissions (5):

Labcorp Genetics (formerly Invitae), Labcorp
Classification: Pathogenic for Familial cancer of breast. Last evaluated: 2025-11-03. Review status: criteria provided, single submitter. Criteria: Invitae Variant Classification Sherloc (09022015). Collection method: clinical testing. Allele origin: germline.
Comment: This sequence change creates a premature translational stop signal (p.Gln141Alafs*27) in the PALB2 gene. It is expected to result in an absent or disrupted protein product. Loss-of-function variants in PALB2 are known to be pathogenic (PMID: 17200668, 17200671, 17200672, 24136930, 25099575). This variant is not present in population databases (gnomAD no frequency). This variant has not been reported in the literature in individuals affected with PALB2-related conditions. ClinVar contains an entry for this variant (Variation ID: 824665). For these reasons, this variant has been classified as Pathogenic.

GeneDx
Classification: Pathogenic. Last evaluated: 2025-03-05. Review status: criteria provided, single submitter. Criteria: GeneDx Variant Classification Process June 2021. Collection method: clinical testing. Allele origin: germline. Affected: yes.
Comment: Frameshift variant predicted to result in protein truncation or nonsense mediated decay in a gene for which loss of function is a known mechanism of disease; Not observed at significant frequency in large population cohorts (gnomAD); Truncating variants in this gene are considered pathogenic by a well-established clinical consortium and/or database; Has not been previously published as pathogenic or benign to our knowledge

Myriad Genetics, Inc.
Classification: Pathogenic for Familial cancer of breast. Last evaluated: 2023-09-06. Review status: criteria provided, single submitter. Criteria: Myriad Autosomal Dominant, Autosomal Recessive and X-Linked Classification Criteria (2023). Collection method: clinical testing. Allele origin: unknown.
Comment: This variant is considered pathogenic. This variant creates a frameshift predicted to result in premature protein truncation.

Color Diagnostics, LLC DBA Color Health
Classification: Pathogenic for Hereditary cancer-predisposing syndrome. Last evaluated: 2021-01-25. Review status: criteria provided, single submitter. Criteria: ACMG Guidelines, 2015. Collection method: clinical testing. Allele origin: germline.
Comment: This variant inserts 1 nucleotide in exon 4 of the PALB2 gene, creating a frameshift and premature translation stop signal. This variant is expected to result in an absent or non-functional protein product. To our knowledge, this variant has not been reported in individuals affected with hereditary cancer in the literature. This variant has not been identified in the general population by the Genome Aggregation Database (gnomAD). Loss of PALB2 function is a known mechanism of disease. Based on the available evidence, this variant is classified as Pathogenic.

Ambry Genetics
Classification: Pathogenic for Hereditary cancer-predisposing syndrome. Last evaluated: 2019-07-01. Review status: criteria provided, single submitter. Criteria: Ambry Variant Classification Scheme 2023. Collection method: clinical testing. Allele origin: germline.
Comment: The c.419dupA pathogenic mutation, located in coding exon 4 of the PALB2 gene, results from a duplication of A at nucleotide position 419, causing a translational frameshift with a predicted alternate stop codon (p.Q141Afs*27). This alteration is expected to result in loss of function by premature protein truncation or nonsense-mediated mRNA decay. As such, this alteration is interpreted as a disease-causing mutation.

Literature cited by the submitters: PubMed 17200668 (cited by Labcorp Genetics (formerly Invitae), Labcorp); PubMed 17200671 (cited by Labcorp Genetics (formerly Invitae), Labcorp); PubMed 17200672 (cited by Labcorp Genetics (formerly Invitae), Labcorp); PubMed 24136930 (cited by Labcorp Genetics (formerly Invitae), Labcorp); PubMed 25099575 (cited by Labcorp Genetics (formerly Invitae), Labcorp).